The following is an entry in ClinVar:

NM_000138.5(FBN1):c.1875_1876inv (p.Gly626Arg)

Gene: FBN1 (fibrillin 1; minus strand). Cytogenetic location: 15q21.1.
Variant type: Inversion.
Coding change: c.1875_1876inv on transcript NM_000138.5 (MANE Select).
Protein change: p.Gly626Arg; replaces glycine 626 with arginine.
Molecular consequence: missense variant.
Genome position: GRCh38 VCF-style: chr15-48505109-CA-TG. GRCh37 (hg19) VCF-style: chr15-48797306-CA-TG.
Other names: short protein forms G626R.
Identifiers: ClinVar variation 836639 (VCV000836639.8), ClinGen allele CA916082406.

ClinVar aggregate classification (germline): Pathogenic (1 of 4 stars; one submission).

Conditions:
Familial thoracic aortic aneurysm and aortic dissection (TAAD). Also called: Thoracic aortic aneurysms and dissections. Identifiers: Orphanet 91387, MedGen C4707243, MONDO:0019625.
Marfan syndrome (MFS). Also called: FBN1-Related Marfan Syndrome; Marfan's syndrome; MARFAN SYNDROME, TYPE I; Marfan syndrome type 1; Marfan syndrome, classic. Identifiers: Orphanet 284963, Orphanet 558, MedGen C0024796, MONDO:0007947, OMIM 154700.

Submission:

Labcorp Genetics (formerly Invitae), Labcorp
Classification: Pathogenic for Marfan syndrome; Familial thoracic aortic aneurysm and aortic dissection. Last evaluated: 2019-08-14. Review status: criteria provided, single submitter. Criteria: Invitae Variant Classification Sherloc (09022015). Collection method: clinical testing. Allele origin: germline.
Comment: For these reasons, this variant has been classified as Pathogenic. Algorithms developed to predict the effect of sequence changes on RNA splicing suggest that this variant may create or strengthen a splice site, but this prediction has not been confirmed by published transcriptional studies. Algorithms developed to predict the effect of missense changes on protein structure and function are either unavailable or do not agree on the potential impact of this missense change (SIFT: "Deleterious"; PolyPhen-2: "Not Available"; Align-GVGD: "Class C0"). This variant is reported as two separate entries in the ExAC population database (c.1875T>C, 20% and c.1876G>A, absent). This sequence change replaces glycine with arginine at codon 626 of the FBN1 protein (p.Gly626Arg). The glycine residue is moderately conserved and there is a moderate physicochemical difference between glycine and arginine.

Literature cited by the submitters: PubMed 26787436.